The following is an entry in ClinVar:

ClinVar aggregate classification (germline): Uncertain significance (1 of 4 stars; one submission).

Conditions:
Benign neonatal seizures. Also called: Benign neonatal familial convulsions; Convulsions benign familial neonatal dominant form; Autosomal dominant form of benign neonatal seizures; Benign familial neonatal epilepsy; Benign familial neonatal seizures. Identifiers: Orphanet 1949, MedGen C0220669, MONDO:0016027.

Submission:

Labcorp Genetics (formerly Invitae), Labcorp
Classification: Uncertain significance for Benign neonatal seizures. Last evaluated: 2025-03-05. Review status: criteria provided, single submitter. Criteria: Invitae Variant Classification Sherloc (09022015). Collection method: clinical testing. Allele origin: germline.
Comment: This sequence change replaces aspartic acid, which is acidic and polar, with asparagine, which is neutral and polar, at codon 637 of the KCNQ3 protein (p.Asp637Asn). This variant is not present in population databases (gnomAD no frequency). This variant has not been reported in the literature in individuals affected with KCNQ3-related conditions. Invitae Evidence Modeling of protein sequence and biophysical properties (such as structural, functional, and spatial information, amino acid conservation, physicochemical variation, residue mobility, and thermodynamic stability) indicates that this missense variant is not expected to disrupt KCNQ3 protein function with a negative predictive value of 80%. In summary, the available evidence is currently insufficient to determine the role of this variant in disease. Therefore, it has been classified as a Variant of Uncertain Significance.

NM_004519.4(KCNQ3):c.1909G>A (p.Asp637Asn)

Gene: KCNQ3 (potassium voltage-gated channel subfamily Q member 3; minus strand). Cytogenetic location: 8q24.22.
Variant type: single nucleotide variant.
Coding change: c.1909G>A on transcript NM_004519.4 (MANE Select); coding-DNA position 1909, G replaced by A.
Protein change: p.Asp637Asn; replaces aspartic acid 637 with asparagine.
Molecular consequence: missense variant.
Genome position (GRCh38, 1-based): chr8:132,129,972, C>T on the plus strand (G>A on the coding strand, the complement: KCNQ3 is on the minus strand). VCF-style: chr8-132129972-C-T. GRCh37 (hg19) VCF-style: chr8-133142219-C-T.
Other names: c.1549G>A, p.Asp517Asn (NM_001204824.2); short protein forms D637N, D517N.
Identifiers: ClinVar variation 4745375 (VCV004745375.1).